The following is an entry in ClinVar:

ClinVar aggregate classification (germline): Likely pathogenic (1 of 4 stars; one submission).

Conditions:
Ellis-van Creveld syndrome (EVC). Also called: Chondroectodermal dysplasia; EVC-Related Ellis-van Creveld Syndrome; EVC2-Related Ellis-van Creveld Syndrome; MESOECTODERMAL DYSPLASIA. Identifiers: Orphanet 289, MedGen C0013903, MONDO:0009162, OMIM 225500.

Submission:

Natera, Inc.
Classification: Likely pathogenic for Ellis-van Creveld syndrome. Last evaluated: 2025-01-14. Review status: criteria provided, single submitter. Criteria: Natera Variant Classification Schema (03/2026). Collection method: clinical testing. Allele origin: germline.
Comment: The c.63del variant in EVC is a frameshift variant predicted to shift the reading frame beginning at codon 22 and leads to a stop codon 94 codons downstream. This variant is expected to result in nonsense mediated decay, truncation, or a dysfunctional protein product. This variant is rare in the general population with a frequency below the threshold expected for the associated phenotype(s). Given the available evidence, this variant is classified as Likely Pathogenic.

NM_153717.3(EVC):c.63del (p.Arg22fs)

Gene: EVC (EvC ciliary complex subunit 1; plus strand). Cytogenetic location: 4p16.2.
Variant type: Deletion.
Coding change: c.63del on transcript NM_153717.3 (MANE Select); coding-DNA position 63, one base deleted (G; older notation c.63delG).
Protein change: p.Arg22fs; shifts the reading frame from arginine 22.
Molecular consequence: frameshift variant.
Genome position (GRCh38, 1-based): chr4:5,711,443, G deleted. VCF-style (leftmost placement, unchanged base first): chr4-5711442-TG-T. GRCh37 (hg19) VCF-style: chr4-5713169-TG-T.
Other names: c.63del, p.Arg22fs (NM_001306090.2, NM_001306092.2); short protein forms R22fs.
Identifiers: ClinVar variation 4067566 (VCV004067566.2).
Genomic context (GRCh38, chr4:5,711,442, plus strand): 5'-TGGCCCGCGGCGGGGCGGCCTGCAAGAGCGACGCGCGGCTGCTGCTGGGGCGGGACGCGC[TG>T]CGGCCGGCGCCCGCCCTGCTGGCCCCCGCCGTGCTGCTGGGCGCCGCGCTCGGCCTCGGC-3'